The following is an entry in ClinVar:

ClinVar aggregate classification (germline): Uncertain significance (1 of 4 stars; one submission).

Conditions:
Cardiovascular phenotype. Identifiers: MedGen CN230736.

Allele frequency attached by ClinVar (database versions not stated): gnomAD exomes below 0.00001.
gnomAD v4.1: 2 of 1,593,498 alleles (0.00013%); highest among the groups gnomAD compares: Non-Finnish European, 0.00017%; no homozygotes.

Submission:

Ambry Genetics
Classification: Uncertain significance for Cardiovascular phenotype. Last evaluated: 2022-10-02. Review status: criteria provided, single submitter. Criteria: Ambry Variant Classification Scheme 2023. Collection method: clinical testing. Allele origin: germline.
Comment: The p.E163Q variant (also known as c.487G>C), located in coding exon 5 of the NEXN gene, results from a G to C substitution at nucleotide position 487. The glutamic acid at codon 163 is replaced by glutamine, an amino acid with highly similar properties. This amino acid position is conserved. In addition, the in silico prediction for this alteration is inconclusive. Since supporting evidence is limited at this time, the clinical significance of this alteration remains unclear.

NM_144573.4(NEXN):c.487G>C (p.Glu163Gln)

Gene: NEXN (nexilin F-actin binding protein; plus strand). Cytogenetic location: 1p31.1.
Variant type: single nucleotide variant.
Coding change: c.487G>C on transcript NM_144573.4 (MANE Select); coding-DNA position 487, G replaced by C.
Protein change: p.Glu163Gln; replaces glutamic acid 163 with glutamine.
Molecular consequence: missense variant.
Genome position (GRCh38, 1-based): chr1:77,925,227, G>C. VCF-style: chr1-77925227-G-C. GRCh37 (hg19) VCF-style: chr1-78390912-G-C.
Other names: c.295G>C, p.Glu99Gln (NM_001172309.2); short protein forms E163Q, E99Q.
Identifiers: ClinVar variation 1743780 (VCV001743780.2), dbSNP rs2523198500, ClinGen allele CA340871267.